The following is an entry in ClinVar:

ClinVar aggregate classification (germline): Uncertain significance (1 of 4 stars; one submission).

gnomAD v4.1: 16 of 1,611,526 alleles (0.00099%); highest among the groups gnomAD compares: Admixed American, 0.0033%; no homozygotes.

Submission:

Labcorp Genetics (formerly Invitae), Labcorp
Classification: Uncertain significance. Last evaluated: 2024-11-18. Review status: criteria provided, single submitter. Criteria: Invitae Variant Classification Sherloc (09022015). Collection method: clinical testing. Allele origin: germline.
Comment: This sequence change replaces proline, which is neutral and non-polar, with leucine, which is neutral and non-polar, at codon 445 of the CREB3L3 protein (p.Pro445Leu). This variant is present in population databases (rs769936917, gnomAD 0.003%). This variant has not been reported in the literature in individuals affected with CREB3L3-related conditions. An algorithm developed to predict the effect of missense changes on protein structure and function (PolyPhen-2) suggests that this variant is likely to be disruptive. In summary, the available evidence is currently insufficient to determine the role of this variant in disease. Therefore, it has been classified as a Variant of Uncertain Significance.

NM_032607.3(CREB3L3):c.1334C>T (p.Pro445Leu)

Genes: CREB3L3 (cAMP responsive element binding protein 3 like 3; plus strand), LOC125371455 (Sharpr-MPRA regulatory region 11650; plus strand). Cytogenetic location: 19p13.3.
Variant type: single nucleotide variant.
Coding change: c.1334C>T on transcript NM_032607.3 (MANE Select); coding-DNA position 1334, C replaced by T.
Protein change: p.Pro445Leu; replaces proline 445 with leucine.
Molecular consequence: missense variant. On other transcripts: 3 prime UTR variant (1).
Genome position (GRCh38, 1-based): chr19:4,171,917, C>T. VCF-style: chr19-4171917-C-T. GRCh37 (hg19) VCF-style: chr19-4171914-C-T.
Other names: c.1331C>T, p.Pro444Leu (NM_001271995.2); c.1328C>T, p.Pro443Leu (NM_001271996.2); c.*213C>T (NM_001271997.2); short protein forms P443L, P444L, P445L.
Identifiers: ClinVar variation 3619705 (VCV003619705.2).